The following is an entry in ClinVar:

ClinVar aggregate classification (germline): Uncertain significance (1 of 4 stars; one submission).

Allele frequency attached by ClinVar (database versions not stated): ExAC 0.00002; TOPMed 0.00004; gnomAD 0.00008; ESP Exome Variant Server 0.00009.
gnomAD v4.1: 18 of 1,209,914 alleles (0.0015%); highest among the groups gnomAD compares: African/African-American, 0.023%; no homozygotes.

Submission:

Labcorp Genetics (formerly Invitae), Labcorp
Classification: Uncertain significance. Last evaluated: 2023-08-11. Review status: criteria provided, single submitter. Criteria: Invitae Variant Classification Sherloc (09022015). Collection method: clinical testing. Allele origin: germline.
Comment: This sequence change replaces proline, which is neutral and non-polar, with leucine, which is neutral and non-polar, at codon 1222 of the COL4A6 protein (p.Pro1222Leu). This variant is present in population databases (rs199500867, gnomAD 0.04%). This variant has not been reported in the literature in individuals affected with COL4A6-related conditions. Advanced modeling of protein sequence and biophysical properties (such as structural, functional, and spatial information, amino acid conservation, physicochemical variation, residue mobility, and thermodynamic stability) performed at Invitae indicates that this missense variant is not expected to disrupt COL4A6 protein function. In summary, the available evidence is currently insufficient to determine the role of this variant in disease. Therefore, it has been classified as a Variant of Uncertain Significance.

NM_033641.4(COL4A6):c.3662C>T (p.Pro1221Leu)

Gene: COL4A6 (collagen type IV alpha 6 chain; minus strand). Cytogenetic location: Xq22.3.
Variant type: single nucleotide variant.
Coding change: c.3662C>T on transcript NM_033641.4 (MANE Select); coding-DNA position 3662, C replaced by T.
Protein change: p.Pro1221Leu; replaces proline 1221 with leucine.
Molecular consequence: missense variant.
Genome position (GRCh38, 1-based): chrX:108,169,524, G>A on the plus strand (C>T on the coding strand, the complement: COL4A6 is on the minus strand). VCF-style: chrX-108169524-G-A. GRCh37 (hg19) VCF-style: chrX-107412754-G-A.
Other names: c.3713C>T, p.Pro1238Leu (NM_001287758.2); c.3590C>T, p.Pro1197Leu (NM_001287759.2, NM_001287760.2); c.3665C>T, p.Pro1222Leu (NM_001847.4); short protein forms P1222L, P1238L, P1221L, P1197L.
Identifiers: ClinVar variation 2907819 (VCV002907819.3), dbSNP rs199500867, ClinGen allele CA10487375.